The following is an entry in ClinVar:

ClinVar aggregate classification (germline): Uncertain significance. Review status: criteria provided, multiple submitters, no conflicts (2 of 4 stars). 2 submissions from 2 submitters: Uncertain significance (2). Last evaluated 2025-10-27.

Allele frequency attached by ClinVar (database versions not stated): ExAC 0.00005.
gnomAD v4.1: 12 of 1,512,080 alleles (0.00079%); highest among the groups gnomAD compares: Admixed American, 0.0067%; no homozygotes.

Submissions (2):

Labcorp Genetics (formerly Invitae), Labcorp
Classification: Uncertain significance. Last evaluated: 2025-10-27. Review status: criteria provided, single submitter. Criteria: Invitae Variant Classification Sherloc (09022015). Collection method: clinical testing. Allele origin: germline.
Comment: This sequence change replaces glycine, which is neutral and non-polar, with valine, which is neutral and non-polar, at codon 15 of the EIF2AK1 protein (p.Gly15Val). The frequency data for this variant in the population databases is considered unreliable, as metrics indicate poor data quality at this position in the gnomAD database. This variant has not been reported in the literature in individuals affected with EIF2AK1-related conditions. ClinVar contains an entry for this variant (Variation ID: 2060494). An algorithm developed to predict the effect of missense changes on protein structure and function (PolyPhen-2) suggests that this variant is likely to be disruptive. In summary, the available evidence is currently insufficient to determine the role of this variant in disease. Therefore, it has been classified as a Variant of Uncertain Significance.

Ambry Genetics
Classification: Uncertain significance. Last evaluated: 2025-10-02. Review status: criteria provided, single submitter. Criteria: Ambry Variant Classification Scheme 2023. Collection method: clinical testing. Allele origin: germline.

NM_014413.4(EIF2AK1):c.44G>T (p.Gly15Val)

Genes: EIF2AK1 (eukaryotic translation initiation factor 2 alpha kinase 1; minus strand), LOC129997920 (ATAC-STARR-seq lymphoblastoid silent region 17933; plus strand). Cytogenetic location: 7p22.1.
Variant type: single nucleotide variant.
Coding change: c.44G>T on transcript NM_014413.4 (MANE Select); coding-DNA position 44, G replaced by T.
Protein change: p.Gly15Val; replaces glycine 15 with valine.
Molecular consequence: missense variant.
Genome position (GRCh38, 1-based): chr7:6,059,040, C>A on the plus strand (G>T on the coding strand, the complement: EIF2AK1 is on the minus strand). VCF-style: chr7-6059040-C-A. GRCh37 (hg19) VCF-style: chr7-6098671-C-A.
Other names: c.44G>T (NM_014413.3); c.44G>T, p.Gly15Val (NM_001134335.2); short protein forms G15V.
Identifiers: ClinVar variation 2060494 (VCV002060494.5), dbSNP rs745844458, ClinGen allele CA4151389.
Genomic context (GRCh38, chr7:6,059,040, plus strand): 5'-TCCGGGCCCTCGGCGGGAAAGTCGATGGCCGGCGGCGCAGCCACAGCCCCAGCCCCGTCG[C>A]CCTCCTCTTCGCGCTTGCGGACCCCGGAGTTGCCCCCCTGCATCGCCGGCCGCGCGCGGG-3'
Protein context (NP_055228.2, residues 5-25): NSGVRKREEE[Gly15Val]DGAGAVAAPP